The following is an entry in ClinVar:

NM_003482.4(KMT2D):c.12487C>T (p.Pro4163Ser)

Gene: KMT2D (lysine methyltransferase 2D; minus strand). Cytogenetic location: 12q13.12.
Variant type: single nucleotide variant.
Coding change: c.12487C>T on transcript NM_003482.4 (MANE Select); coding-DNA position 12487, C replaced by T.
Protein change: p.Pro4163Ser; replaces proline 4163 with serine.
Molecular consequence: missense variant.
Genome position (GRCh38, 1-based): chr12:49,032,218, G>A on the plus strand (C>T on the coding strand, the complement: KMT2D is on the minus strand). VCF-style: chr12-49032218-G-A. GRCh37 (hg19) VCF-style: chr12-49426001-G-A.
Other names: short protein forms P4163S.
Identifiers: ClinVar variation 2885360 (VCV002885360.6), dbSNP rs1396684141, ClinGen allele CA384711289.

ClinVar aggregate classification (germline): Uncertain significance. Review status: criteria provided, multiple submitters, no conflicts (2 of 4 stars). 3 submissions from 3 submitters: Uncertain significance (2). 1 of the submissions does not count toward it. Last evaluated 2025-11-21.

Conditions:
KMT2D-related disorder. Also called: KMT2D-Related Disorders.
Kabuki syndrome. Also called: NIIKAWA-KUROKI SYNDROME; Kabuki make-up syndrome. Identifiers: Orphanet 2322, MedGen C0796004, MONDO:0016512.

Allele frequency attached by ClinVar (database versions not stated): gnomAD exomes below 0.00001; TOPMed 0.00001; gnomAD 0.00001.
gnomAD v4.1: 4 of 1,613,248 alleles (0.00025%); highest among the groups gnomAD compares: African/African-American, 0.0027%; no homozygotes.

Submissions (3):

Dasa
Classification: Uncertain significance. Last evaluated: 2025-11-21. Review status: criteria provided, single submitter. Criteria: DASA Assertion Criteria. Collection method: clinical testing. Allele origin: germline.
Comment: NM_003482.4(KMT2D):c.12487C>T (p.Pro4163Ser) is a missense variant that results in the substitution of proline with serine. This variant has been reported in individuals with KMT2D-related disorders (PMID: 24633898). Also, this variant is rare in population databases. The currently available literature and clinical evidence are not sufficient to establish a definitive association between this variant and the reported condition. Therefore, this variant is classified as a variant of uncertain significance.

Labcorp Genetics (formerly Invitae), Labcorp
Classification: Uncertain significance for Kabuki syndrome. Last evaluated: 2024-03-26. Review status: criteria provided, single submitter. Criteria: Invitae Variant Classification Sherloc (09022015). Collection method: clinical testing. Allele origin: germline.
Comment: This sequence change replaces proline, which is neutral and non-polar, with serine, which is neutral and polar, at codon 4163 of the KMT2D protein (p.Pro4163Ser). This variant is not present in population databases (gnomAD no frequency). This variant has not been reported in the literature in individuals affected with KMT2D-related conditions. Advanced modeling of protein sequence and biophysical properties (such as structural, functional, and spatial information, amino acid conservation, physicochemical variation, residue mobility, and thermodynamic stability) performed at Invitae indicates that this missense variant is not expected to disrupt KMT2D protein function with a negative predictive value of 95%. In summary, the available evidence is currently insufficient to determine the role of this variant in disease. Therefore, it has been classified as a Variant of Uncertain Significance.

PreventionGenetics, part of Exact Sciences
Classification: Uncertain significance for KMT2D-related condition. Last evaluated: 2024-07-23. Review status: no assertion criteria provided. Collection method: clinical testing. Allele origin: germline. Not counted in ClinVar's aggregate classification.
Comment: The KMT2D c.12487C>T variant is predicted to result in the amino acid substitution p.Pro4163Ser. To our knowledge, this variant has not been reported in the literature or in a large population database, indicating this variant is rare. Of note, a different substitution at the same codon, defined as c.12488C>T (p.Pro4163Leu), was reported in individuals with Kabuki syndrome, but the clinical significance was uncertain (Micale et al. 2014. PubMed ID: 24633898; Suppl. Table S3 of Faundes et al. 2019. PubMed ID: 30459467). At this time, the clinical significance of the c.12487C>T (p.Pro4163Ser) variant is uncertain due to the absence of conclusive functional and genetic evidence.

Literature cited by the submitters: PubMed 24633898 (cited by Dasa).